The following is an entry in ClinVar:

NM_001278716.2(FBXL4):c.1852_1853del (p.Ser618fs)

Gene: FBXL4 (F-box and leucine rich repeat protein 4; minus strand). Cytogenetic location: 6q16.1.
Variant type: Microsatellite.
Coding change: c.1852_1853del on transcript NM_001278716.2 (MANE Select); coding-DNA positions 1852 to 1853, 2 bases deleted (AG; older notation c.1852_1853delAG).
Protein change: p.Ser618fs; shifts the reading frame from serine 618.
Molecular consequence: frameshift variant. On other transcripts: non-coding transcript variant (1).
Genome position (GRCh38, 1-based): chr6:98,874,291-98,874,292, CT deleted on the plus strand (AG on the coding strand, the reverse complement: FBXL4 is on the minus strand); deleting any 2 consecutive bases within chr6:98,874,291-98,874,294 gives the same sequence; the c. name uses the placement nearest the transcript's 3' end. VCF-style (leftmost placement, unchanged base first): chr6-98874290-GCT-G. GRCh37 (hg19) VCF-style: chr6-99322166-GCT-G.
Other names: c.1852_1853del, p.Ser618fs (NM_012160.5); short protein forms S618fs.
Identifiers: ClinVar variation 2413614 (VCV002413614.2), dbSNP rs1258886618, ClinGen allele CA16021041.
Genomic context (GRCh38, chr6:98,874,290, plus strand): 5'-TTAAACCCCAACAAAGCACATTAATTTTAATACAGAACATATATTAAGTCACTGAGTAAA[GCT>G]CTTTTTTATGAACACTTTTGGAAAGCTTGCATTCAGTTCTAGCACAGCTCTGTTATCAAT-3'

ClinVar aggregate classification (germline): Uncertain significance (1 of 4 stars; one submission).

Submission:

Labcorp Genetics (formerly Invitae), Labcorp
Classification: Uncertain significance. Last evaluated: 2022-06-13. Review status: criteria provided, single submitter. Criteria: Invitae Variant Classification Sherloc (09022015). Collection method: clinical testing. Allele origin: germline.
Comment: This sequence change results in a frameshift in the FBXL4 gene (p.Ser618Leufs*6). While this is not anticipated to result in nonsense mediated decay, it is expected to disrupt the last 4 amino acid(s) of the FBXL4 protein and extend the protein by 1 additional amino acid residues. This variant is present in population databases (no rsID available, gnomAD 0.008%). This variant has not been reported in the literature in individuals affected with FBXL4-related conditions. Experimental studies and prediction algorithms are not available or were not evaluated, and the functional significance of this variant is currently unknown. In summary, the available evidence is currently insufficient to determine the role of this variant in disease. Therefore, it has been classified as a Variant of Uncertain Significance.